The following is an entry in ClinVar:

NM_014009.4(FOXP3):c.901G>A (p.Ala301Thr)

Gene: FOXP3 (forkhead box P3; minus strand). Cytogenetic location: Xp11.23.
Variant type: single nucleotide variant.
Coding change: c.901G>A on transcript NM_014009.4 (MANE Select); coding-DNA position 901, G replaced by A.
Protein change: p.Ala301Thr; replaces alanine 301 with threonine.
Molecular consequence: missense variant.
Genome position (GRCh38, 1-based): chrX:49,253,983, C>T on the plus strand (G>A on the coding strand, the complement: FOXP3 is on the minus strand). VCF-style: chrX-49253983-C-T. GRCh37 (hg19) VCF-style: chrX-49110444-C-T.
Other names: c.796G>A, p.Ala266Thr (NM_001114377.2); short protein forms A266T, A301T.
Identifiers: ClinVar variation 4694499 (VCV004694499.1).

ClinVar aggregate classification (germline): Uncertain significance (1 of 4 stars; one submission).

Conditions:
Insulin-dependent diabetes mellitus secretory diarrhea syndrome (IPEX). Also called: IMMUNODEFICIENCY, POLYENDOCRINOPATHY, AND ENTEROPATHY, X-LINKED; Immune dysregulation-polyendocrinopathy-enteropathy-X-linked syndrome; X-Linked Autoimmunity-Allergic Dysregulation Syndrome; Immunodeficiency, Polyendocrinopathy, and Enteropathy X-Linked Syndrome; X-Linked Syndrome of Polyendocrinopathy, Immune Dysfunction, and Diarrhea; DIABETES MELLITUS, CONGENITAL INSULIN-DEPENDENT, WITH FATAL SECRETORY DIARRHEA. Identifiers: Orphanet 37042, MedGen C0342288, MONDO:0010580, OMIM 304790. Disease mechanism: loss of function.

gnomAD v4.1: 3 of 1,210,630 alleles (0.00025%); highest among the groups gnomAD compares: Admixed American, 0.0043%; no homozygotes.

Submission:

Labcorp Genetics (formerly Invitae), Labcorp
Classification: Uncertain significance for Insulin-dependent diabetes mellitus secretory diarrhea syndrome. Last evaluated: 2025-12-31. Review status: criteria provided, single submitter. Criteria: Invitae Variant Classification Sherloc (09022015). Collection method: clinical testing. Allele origin: germline.
Comment: This sequence change replaces alanine, which is neutral and non-polar, with threonine, which is neutral and polar, at codon 301 of the FOXP3 protein (p.Ala301Thr). This variant is present in population databases (no rsID available, gnomAD 0.008%). This variant has not been reported in the literature in individuals affected with FOXP3-related conditions. Invitae Evidence Modeling of protein sequence and biophysical properties (such as structural, functional, and spatial information, amino acid conservation, physicochemical variation, residue mobility, and thermodynamic stability) indicates that this missense variant is not expected to disrupt FOXP3 protein function with a negative predictive value of 80%. In summary, the available evidence is currently insufficient to determine the role of this variant in disease. Therefore, it has been classified as a Variant of Uncertain Significance.